The following is an entry in ClinVar:

NM_001264.5(CDSN):c.857T>C (p.Ile286Thr)

Genes: CDSN (corneodesmosin; minus strand), PSORS1C1 (psoriasis susceptibility 1 candidate 1; plus strand). Cytogenetic location: 6p21.33.
Variant type: single nucleotide variant.
Coding change: c.857T>C on transcript NM_001264.5 (MANE Select); coding-DNA position 857, T replaced by C.
Protein change: p.Ile286Thr; replaces isoleucine 286 with threonine.
Molecular consequence: missense variant. On other transcripts: intron variant (1).
Genome position (GRCh38, 1-based): chr6:31,116,758, A>G on the plus strand (T>C on the coding strand, the complement: CDSN is on the minus strand). VCF-style: chr6-31116758-A-G. GRCh37 (hg19) VCF-style: chr6-31084535-A-G.
Other names: c.-229+1867A>G (NM_014068.3); short protein forms I286T.
Identifiers: ClinVar variation 2663490 (VCV002663490.1), dbSNP rs771311172, ClinGen allele CA3708411.

ClinVar aggregate classification (germline): Uncertain significance (1 of 4 stars; one submission).

Allele frequency attached by ClinVar (database versions not stated): gnomAD exomes below 0.00001; ExAC 0.00001.
gnomAD v4.1: 1 of 1,613,090 alleles (0.000062%); highest among the groups gnomAD compares: Non-Finnish European, 0.000085%; no homozygotes.

Submission:

GeneDx
Classification: Uncertain significance. Last evaluated: 2023-04-29. Review status: criteria provided, single submitter. Criteria: GeneDx Variant Classification Process June 2021. Collection method: clinical testing. Allele origin: germline. Affected: yes.
Comment: Has not been previously published as pathogenic or benign to our knowledge; In silico analysis supports that this missense variant has a deleterious effect on protein structure/function